The following is an entry in ClinVar:

ClinVar aggregate classification (germline): Pathogenic (1 of 4 stars; one submission).

Allele frequency attached by ClinVar (database versions not stated): TOPMed 0.00001.

Submission:

Labcorp Genetics (formerly Invitae), Labcorp
Classification: Pathogenic. Last evaluated: 2022-08-10. Review status: criteria provided, single submitter. Criteria: Invitae Variant Classification Sherloc (09022015). Collection method: clinical testing. Allele origin: germline.
Comment: This variant has not been reported in the literature in individuals affected with CEP250-related conditions. For these reasons, this variant has been classified as Pathogenic. This sequence change creates a premature translational stop signal (p.Asn856Glufs*135) in the CEP250 gene. It is expected to result in an absent or disrupted protein product. Loss-of-function variants in CEP250 are known to be pathogenic (PMID: 24780881, 29718797). This variant is not present in population databases (gnomAD no frequency).

Literature cited by the submitters: PubMed 24780881; PubMed 29718797.

NM_007186.6(CEP250):c.2564dup (p.Asn856fs)

Genes: CEP250 (centrosomal protein 250; plus strand), CEP250-AS1 (CEP250 antisense RNA 1; minus strand). Cytogenetic location: 20q11.22.
Variant type: Duplication.
Coding change: c.2564dup on transcript NM_007186.6 (MANE Select); coding-DNA position 2564, one base duplicated (T; older notation c.2564dupT).
Protein change: p.Asn856fs; shifts the reading frame from asparagine 856.
Molecular consequence: frameshift variant.
Genome position (GRCh38, 1-based): chr20:35,480,123, T duplicated. VCF-style (leftmost placement, unchanged base first): chr20-35480122-G-GT. GRCh37 (hg19) VCF-style: chr20-34067947-G-GT.
Other names: c.668dup, p.Asn224fs (NM_001318219.1); short protein forms N224fs, N856fs.
Identifiers: ClinVar variation 2056800 (VCV002056800.4), dbSNP rs1173631586, ClinGen allele CA743903226.